The following is an entry in ClinVar:

ClinVar aggregate classification (germline): Uncertain significance (1 of 4 stars; one submission).

Conditions:
Hereditary nonpolyposis colorectal neoplasms. Identifiers: MedGen C0009405, MeSH D003123.

Allele frequency attached by ClinVar (database versions not stated): gnomAD exomes below 0.00001.
gnomAD v4.1: 2 of 1,495,524 alleles (0.00013%); highest among the groups gnomAD compares: Non-Finnish European, 0.00018%; no homozygotes.

Submission:

Labcorp Genetics (formerly Invitae), Labcorp
Classification: Uncertain significance for Hereditary nonpolyposis colorectal neoplasms. Last evaluated: 2022-12-06. Review status: criteria provided, single submitter. Criteria: Invitae Variant Classification Sherloc (09022015). Collection method: clinical testing. Allele origin: germline.
Comment: This variant has not been reported in the literature in individuals affected with MSH6-related conditions. ClinVar contains an entry for this variant (Variation ID: 649799). Advanced modeling of protein sequence and biophysical properties (such as structural, functional, and spatial information, amino acid conservation, physicochemical variation, residue mobility, and thermodynamic stability) performed at Invitae indicates that this missense variant is not expected to disrupt MSH6 protein function. In summary, the available evidence is currently insufficient to determine the role of this variant in disease. Therefore, it has been classified as a Variant of Uncertain Significance. This sequence change replaces asparagine, which is neutral and polar, with aspartic acid, which is acidic and polar, at codon 71 of the MSH6 protein (p.Asn71Asp). This variant is not present in population databases (gnomAD no frequency).

NM_000179.3(MSH6):c.211A>G (p.Asn71Asp)

Gene: MSH6 (mutS homolog 6; plus strand). Cytogenetic location: 2p16.3.
Variant type: single nucleotide variant.
Coding change: c.211A>G on transcript NM_000179.3 (MANE Select); coding-DNA position 211, A replaced by G.
Protein change: p.Asn71Asp; replaces asparagine 71 with aspartic acid.
Molecular consequence: missense variant. On other transcripts: 5 prime UTR variant (1).
Genome position (GRCh38, 1-based): chr2:47,783,444, A>G. VCF-style: chr2-47783444-A-G. GRCh37 (hg19) VCF-style: chr2-48010583-A-G.
Other names: c.211A>G, p.Asn71Asp (NM_001281492.2); c.-526A>G (NM_001281493.2); short protein forms N71D.
Identifiers: ClinVar variation 649799 (VCV000649799.11), dbSNP rs1558645379, ClinGen allele CA346735062.